The following is an entry in ClinVar:

NM_177438.3(DICER1):c.3669C>T (p.Tyr1223=)

Gene: DICER1 (dicer 1, ribonuclease III; minus strand). Cytogenetic location: 14q32.13.
Variant type: single nucleotide variant.
Coding change: c.3669C>T on transcript NM_177438.3 (MANE Select); coding-DNA position 3669, C replaced by T.
Protein change: p.Tyr1223=; no amino-acid change (tyrosine 1223 retained).
Molecular consequence: synonymous variant.
Genome position (GRCh38, 1-based): chr14:95,103,727, G>A on the plus strand (C>T on the coding strand, the complement: DICER1 is on the minus strand). VCF-style: chr14-95103727-G-A. GRCh37 (hg19) VCF-style: chr14-95570064-G-A.
Other names: c.3669C>T, p.Tyr1223= (NM_001195573.1, NM_001271282.3, NM_001291628.2 and 1 more transcripts).
Identifiers: ClinVar variation 824045 (VCV000824045.16), dbSNP rs746674986, ClinGen allele CA7331009.

ClinVar aggregate classification (germline): Benign/Likely benign. Review status: criteria provided, multiple submitters, no conflicts (2 of 4 stars). 4 submissions from 4 submitters: Benign (1); Likely benign (3). Last evaluated 2026-04-17.

Conditions:
Hereditary cancer-predisposing syndrome. Also called: Neoplastic Syndromes, Hereditary; Tumor predisposition; Hereditary Cancer Syndrome; Hereditary neoplastic syndrome. Identifiers: Orphanet 140162, MedGen C0027672, MeSH D009386, MONDO:0015356.
DICER1-related tumor predisposition. Also called: DICER1-related pleuropulmonary blastoma cancer predisposition syndrome; DICER1 syndrome. Identifiers: Orphanet 284343, MedGen C3839822, MONDO:0100216.

Allele frequency attached by ClinVar (database versions not stated): gnomAD exomes below 0.00001 and 0.00001; ExAC 0.00001.
gnomAD v4.1: 6 of 1,614,190 alleles (0.00037%); highest among the groups gnomAD compares: Middle Eastern, 0.016%; no homozygotes.

Submissions (4):

Myriad Genetics, Inc.
Classification: Benign for DICER1-related tumor predisposition. Last evaluated: 2026-04-17. Review status: criteria provided, single submitter. Criteria: Myriad Autosomal Dominant, Autosomal Recessive and X-Linked Classification Criteria (2023). Collection method: clinical testing. Allele origin: unknown.
Comment: This variant is considered benign. This variant is a silent/synonymous amino acid change and it is not expected to impact splicing.

Labcorp Genetics (formerly Invitae), Labcorp
Classification: Likely benign for DICER1-related tumor predisposition. Last evaluated: 2025-12-02. Review status: criteria provided, single submitter. Criteria: Invitae Variant Classification Sherloc (09022015). Collection method: clinical testing. Allele origin: germline.

Blueprint Genetics
Classification: Likely benign. Last evaluated: 2023-08-15. Review status: criteria provided, single submitter. Criteria: ACMG Guidelines, 2015. Collection method: clinical testing. Allele origin: germline.

Ambry Genetics
Classification: Likely benign for Hereditary cancer-predisposing syndrome. Last evaluated: 2018-12-19. Review status: criteria provided, single submitter. Criteria: Ambry Variant Classification Scheme 2023. Collection method: clinical testing. Allele origin: germline.